The following is an entry in ClinVar:

NM_000454.5(SOD1):c.68A>T (p.Gln23Leu)

Genes: SOD1 (superoxide dismutase 1; plus strand), SOD1-DT (SOD1 divergent transcript; minus strand). Cytogenetic location: 21q22.11.
Variant type: single nucleotide variant.
Coding change: c.68A>T on transcript NM_000454.5 (MANE Select); coding-DNA position 68, A replaced by T.
Protein change: p.Gln23Leu; replaces glutamine 23 with leucine.
Molecular consequence: missense variant.
Genome position (GRCh38, 1-based): chr21:31,659,837, A>T. VCF-style: chr21-31659837-A-T. GRCh37 (hg19) VCF-style: chr21-33032150-A-T.
Other names: short protein forms Q23L.
Identifiers: ClinVar variation 873323 (VCV000873323.7), dbSNP rs1169198442, ClinGen allele CA410036099.
Genomic context (GRCh38, chr21:31,659,837, plus strand): 5'-CGAAGGCCGTGTGCGTGCTGAAGGGCGACGGCCCAGTGCAGGGCATCATCAATTTCGAGC[A>T]GAAGGCAAGGGCTGGGACGGAGGCTTGTTTGCGAGGCCGCTCCCACCCGCTCGTCCCCCC-3'
Protein context (NP_000445.1, residues 13-33): GPVQGIINFE[Gln23Leu]KESNGPVKVW

ClinVar aggregate classification (germline): Pathogenic/Likely pathogenic. Review status: criteria provided, multiple submitters, no conflicts (2 of 4 stars). 3 submissions from 3 submitters: Pathogenic (1); Likely pathogenic (2). Last evaluated 2025-07-08.

Conditions:
Amyotrophic lateral sclerosis type 1 (ALS1). Also called: AMYOTROPHIC LATERAL SCLEROSIS 1, FAMILIAL. Identifiers: Orphanet 803, MedGen C1862939, MONDO:0007103, OMIM 105400.
SOD1-related disorder. Also called: SOD1-related condition.

Submissions (3):

PreventionGenetics, part of Exact Sciences
Classification: Likely pathogenic for SOD1-related condition. Last evaluated: 2025-07-08. Review status: criteria provided, single submitter. Criteria: ACMG Guidelines, 2015. Collection method: clinical testing. Allele origin: germline.
Comment: The SOD1 c.68A>T variant is predicted to result in the amino acid substitution p.Gln23Leu. This variant, alternatively referred to as p.Gln22Leu using legacy nomenclature, has been reported in multiple unrelated individuals with amyotrophic lateral sclerosis (ALS, originally reported in Andersen et al 2003. PubMed ID: 14506936 and summarized in Ungaro et al 2020. PubMed ID: 32951934). Functional studies suggest this variant alters the protein structure, exposing the Derlin-1–binding region (DBR), a common property of pathogenic SOD1 variants (Fujisawa et al. 2012. PubMed ID: 23280792). Other single nucleotide variants impacting the same amino acid residue have also been reported to cause ALS (c.68A>G, p.Gln23Arg, Corti et al 2009. PubMed ID: 19000626; c.69G>C, p.Gln23His, Akimoto et al 2011. PubMed ID: 21603025). This variant has not been reported in a large population database, indicating this variant is rare. This variant is interpreted as likely pathogenic.

Labcorp Genetics (formerly Invitae), Labcorp
Classification: Pathogenic for Amyotrophic lateral sclerosis type 1. Last evaluated: 2024-12-16. Review status: criteria provided, single submitter. Criteria: Invitae Variant Classification Sherloc (09022015). Collection method: clinical testing. Allele origin: germline.
Comment: This sequence change replaces glutamine, which is neutral and polar, with leucine, which is neutral and non-polar, at codon 23 of the SOD1 protein (p.Gln23Leu). This variant is present in population databases (no rsID available, gnomAD 0.0009%). This missense change has been observed in individuals with autosomal dominant amyotrophic lateral sclerosis (PMID: 32951934; internal data). This variant is also known as Q22L. ClinVar contains an entry for this variant (Variation ID: 873323). Invitae Evidence Modeling of protein sequence and biophysical properties (such as structural, functional, and spatial information, amino acid conservation, physicochemical variation, residue mobility, and thermodynamic stability) indicates that this missense variant is expected to disrupt SOD1 protein function with a positive predictive value of 95%. Experimental studies have shown that this missense change affects SOD1 function (PMID: 23280792). This variant disrupts the p.Gln23 amino acid residue in SOD1. Other variant(s) that disrupt this residue have been observed in individuals with SOD1-related conditions (PMID: 19000626, 21603025), which suggests that this may be a clinically significant amino acid residue. For these reasons, this variant has been classified as Pathogenic.

Suna and Inan Kirac Foundation Neurodegeneration Research Laboratory, Koc University
Classification: Likely pathogenic for Amyotrophic lateral sclerosis type 1. Last evaluated: 2020-03-31. Review status: criteria provided, single submitter. Criteria: ACMG Guidelines, 2015. Collection method: research. Allele origin: germline. Affected: yes. Observed: 1 variant allele.

Literature cited by the submitters: PubMed 32951934 (cited by Labcorp Genetics (formerly Invitae), Labcorp); PubMed 23280792 (cited by Labcorp Genetics (formerly Invitae), Labcorp); PubMed 19000626 (cited by Labcorp Genetics (formerly Invitae), Labcorp); PubMed 21603025 (cited by Labcorp Genetics (formerly Invitae), Labcorp).